The following is an entry in ClinVar:

NM_206933.4(USH2A):c.486-9C>T

Gene: USH2A (usherin; minus strand). Cytogenetic location: 1q41.
Variant type: single nucleotide variant.
Coding change: c.486-9C>T on transcript NM_206933.4 (MANE Select); 9 bases into the intron before coding-DNA position 486, C replaced by T.
Molecular consequence: intron variant.
Genome position (GRCh38, 1-based): chr1:216,418,688, G>A on the plus strand (C>T on the coding strand, the complement: USH2A is on the minus strand). VCF-style: chr1-216418688-G-A. GRCh37 (hg19) VCF-style: chr1-216592030-G-A.
Other names: c.486-9C>T (NM_007123.6, NM_206933.2).
Identifiers: ClinVar variation 1114643 (VCV001114643.11), dbSNP rs867139402, ClinGen allele CA37921749.

ClinVar aggregate classification (germline): Likely benign. Review status: criteria provided, multiple submitters, no conflicts (2 of 4 stars). 2 submissions from 2 submitters: Likely benign (2). Last evaluated 2025-03-19.

Conditions:
USH2A-related disorder. Also called: USH2A-related condition; USH2A-related disorders. Identifiers: MedGen CN239332.

Allele frequency attached by ClinVar (database versions not stated): gnomAD exomes below 0.00001 and 0.00001; gnomAD 0.00002; TOPMed 0.00002.
gnomAD v4.1: 14 of 1,612,600 alleles (0.00087%); highest among the groups gnomAD compares: African/African-American, 0.013%; no homozygotes.

Submissions (2):

PreventionGenetics, part of Exact Sciences
Classification: Likely benign for USH2A-related condition. Last evaluated: 2025-03-19. Review status: criteria provided, single submitter. Criteria: ACMG Guidelines, 2015. Collection method: clinical testing. Allele origin: germline.
Comment: This variant is classified as likely benign based on ACMG/AMP sequence variant interpretation guidelines (Richards et al. 2015 PMID: 25741868, with internal and published modifications).

Labcorp Genetics (formerly Invitae), Labcorp
Classification: Likely benign. Last evaluated: 2024-05-05. Review status: criteria provided, single submitter. Criteria: Invitae Variant Classification Sherloc (09022015). Collection method: clinical testing. Allele origin: germline.